The following is an entry in ClinVar:

NM_000543.5(SMPD1):c.158G>C (p.Arg53Pro)

Gene: SMPD1 (sphingomyelin phosphodiesterase 1; plus strand). Cytogenetic location: 11p15.4.
Variant type: single nucleotide variant.
Coding change: c.158G>C on transcript NM_000543.5 (MANE Select); coding-DNA position 158, G replaced by C.
Protein change: p.Arg53Pro; replaces arginine 53 with proline.
Molecular consequence: missense variant. On other transcripts: 5 prime UTR variant (1), non-coding transcript variant (2).
Genome position (GRCh38, 1-based): chr11:6,390,756, G>C. VCF-style: chr11-6390756-G-C. GRCh37 (hg19) VCF-style: chr11-6411986-G-C.
Other names: c.158G>C, p.Arg53Pro (NM_001007593.3, NM_001318087.2, NM_001365135.2); c.-804G>C (NM_001318088.2); short protein forms R53P.
Identifiers: ClinVar variation 3446417 (VCV003446417.1).
Genomic context (GRCh38, chr11:6,390,756, plus strand): 5'-TGGGCCTGGTGCTGGCGCTGGCGCTGGCGCTGGCGCTGGCGCTGGCTCTGTCTGACTCTC[G>C]GGTTCTCTGGGCTCCGGCAGAGGCTCACCCTCTTTCTCCCCAAGGCCATCCTGCCAGGTT-3'
Protein context (NP_000534.3, residues 43-63): LALALALSDS[Arg53Pro]VLWAPAEAHP

ClinVar aggregate classification (germline): Uncertain significance (1 of 4 stars; one submission).

Conditions:
Inborn genetic diseases. Identifiers: MedGen C0950123, MeSH D030342.

gnomAD v4.1: 2 of 1,612,488 alleles (0.00012%); highest among the groups gnomAD compares: Non-Finnish European, 0.00017%; no homozygotes.

Submission:

Ambry Genetics
Classification: Uncertain significance for Inborn genetic diseases. Last evaluated: 2024-08-07. Review status: criteria provided, single submitter. Criteria: Ambry Variant Classification Scheme 2023. Collection method: clinical testing. Allele origin: germline.
Comment: The p.R53P variant (also known as c.158G>C), located in coding exon 1 of the SMPD1 gene, results from a G to C substitution at nucleotide position 158. The arginine at codon 53 is replaced by proline, an amino acid with dissimilar properties. This amino acid position is conserved. In addition, this alteration is predicted to be tolerated by in silico analysis. Based on the available evidence, the clinical significance of this variant remains unclear.